The following is an entry in ClinVar:

ClinVar aggregate classification (germline): Uncertain significance. Review status: criteria provided, multiple submitters, no conflicts (2 of 4 stars). 2 submissions from 2 submitters: Uncertain significance (2). Last evaluated 2023-12-06.

Conditions:
Spermatogenic failure 18. Identifiers: MedGen C4539783, MONDO:0054615, OMIM 617576.
Ciliary dyskinesia, primary, 37 (CILD37). Also called: CILIARY DYSKINESIA, PRIMARY, 37, WITH OR WITHOUT SITUS INVERSUS. Identifiers: MedGen C4539798, MONDO:0033204, OMIM 617577.

Allele frequency attached by ClinVar (database versions not stated): ExAC 0.00001; gnomAD exomes 0.00001; TOPMed 0.00001.
gnomAD v4.1: 23 of 1,613,510 alleles (0.0014%); highest among the groups gnomAD compares: East Asian, 0.0022%; no homozygotes.

Submissions (2):

Labcorp Genetics (formerly Invitae), Labcorp
Classification: Uncertain significance for Ciliary dyskinesia, primary, 37; Spermatogenic failure 18. Last evaluated: 2023-12-06. Review status: criteria provided, single submitter. Criteria: Invitae Variant Classification Sherloc (09022015). Collection method: clinical testing. Allele origin: germline.
Comment: This sequence change replaces arginine, which is basic and polar, with histidine, which is basic and polar, at codon 2314 of the DNAH1 protein (p.Arg2314His). This variant is present in population databases (rs759815756, gnomAD 0.003%). This missense change has been observed in individual(s) with clinical features of DNAH1-related conditions (Invitae). ClinVar contains an entry for this variant (Variation ID: 544596). Advanced modeling of protein sequence and biophysical properties (such as structural, functional, and spatial information, amino acid conservation, physicochemical variation, residue mobility, and thermodynamic stability) performed at Invitae indicates that this missense variant is expected to disrupt DNAH1 protein function with a positive predictive value of 80%. In summary, the available evidence is currently insufficient to determine the role of this variant in disease. Therefore, it has been classified as a Variant of Uncertain Significance.

CeGaT Center for Human Genetics Tuebingen
Classification: Uncertain significance. Last evaluated: 2020-02-01. Review status: criteria provided, single submitter. Criteria: CeGaT Center For Human Genetics Tuebingen Variant Classification Criteria Version 2. Collection method: clinical testing. Allele origin: germline. Affected: yes. Observed: 1 variant allele.

NM_015512.5(DNAH1):c.6941G>A (p.Arg2314His)

Gene: DNAH1 (dynein axonemal heavy chain 1; plus strand). Cytogenetic location: 3p21.1.
Variant type: single nucleotide variant.
Coding change: c.6941G>A on transcript NM_015512.5 (MANE Select); coding-DNA position 6941, G replaced by A.
Protein change: p.Arg2314His; replaces arginine 2314 with histidine.
Molecular consequence: missense variant.
Genome position (GRCh38, 1-based): chr3:52,373,009, G>A. VCF-style: chr3-52373009-G-A. GRCh37 (hg19) VCF-style: chr3-52407025-G-A.
Other names: short protein forms R2314H.
Identifiers: ClinVar variation 544596 (VCV000544596.44), dbSNP rs759815756, ClinGen allele CA2434690.